The following is an entry in ClinVar:

ClinVar aggregate classification (germline): Pathogenic/Likely pathogenic. Review status: criteria provided, multiple submitters, no conflicts (2 of 4 stars). 9 submissions from 9 submitters: Pathogenic (2); Likely pathogenic (6). 1 of the submissions does not count toward it. Last evaluated 2026-01-24.

Conditions:
Fanconi anemia complementation group J. Also called: BRIP1-Related Fanconi Anemia. Identifiers: Orphanet 84, MedGen C1836860, MONDO:0012187, OMIM 609054.
Ovarian cancer. Also called: OVARIAN CANCER, SOMATIC. Identifiers: Orphanet 213500, MedGen C1140680, MONDO:0008170, OMIM 167000.
Hereditary cancer-predisposing syndrome. Also called: Tumor predisposition; Hereditary neoplastic syndrome; Neoplastic Syndromes, Hereditary; Hereditary Cancer Syndrome. Identifiers: Orphanet 140162, MedGen C0027672, MeSH D009386, MONDO:0015356.
Familial cancer of breast. Also called: hereditary breast carcinoma; Hereditary breast cancer; BREAST CANCER, FAMILIAL. Identifiers: Orphanet 227535, MedGen C0346153, MONDO:0016419, OMIM 114480. Disease mechanism: loss of function.

gnomAD v4.1: 1 of 1,613,780 alleles (0.000062%); highest among the groups gnomAD compares: Non-Finnish European, 0.000085%; no homozygotes.

Submissions (9):

Labcorp Genetics (formerly Invitae), Labcorp
Classification: Pathogenic for Familial cancer of breast; Fanconi anemia complementation group J. Last evaluated: 2026-01-24. Review status: criteria provided, single submitter. Criteria: Invitae Variant Classification Sherloc (09022015). Collection method: clinical testing. Allele origin: germline.
Comment: This sequence change affects an acceptor splice site in intron 5 of the BRIP1 gene. RNA analysis indicates that disruption of this splice site induces altered splicing and may result in an absent or altered protein product. This variant is not present in population databases (gnomAD no frequency). Disruption of this splice site has been observed in individual(s) with ovarian cancer (PMID: 26720728, 28888541). ClinVar contains an entry for this variant (Variation ID: 219850). Studies have shown that disruption of this splice site results in activation of a cryptic splice site, and produces a non-functional protein and/or introduces a premature termination codon (internal data). For these reasons, this variant has been classified as Pathogenic.

Ambry Genetics
Classification: Likely pathogenic for Hereditary cancer-predisposing syndrome. Last evaluated: 2025-06-16. Review status: criteria provided, single submitter. Criteria: Ambry Variant Classification Scheme 2023. Collection method: clinical testing. Allele origin: germline.
Comment: The c.508-1G>C intronic variant results from a G to C substitution one nucleotide before coding exon 5 of the BRIP1 gene. This variant was also detected in a cohort of 7768 individuals diagnosed with ovarian cancer (Lilyquist J et al. Gynecol Oncol, 2017 Nov;147:375-380). This variant is considered to be rare based on population cohorts in the Genome Aggregation Database (gnomAD). This nucleotide position is highly conserved in available vertebrate species. In silico splice site analysis predicts that this alteration will weaken the native splice acceptor site and will result in the creation or strengthening of a novel splice acceptor site. RNA studies have demonstrated that this alteration results in abnormal splicing in the set of samples tested (Ambry internal data). Alterations that disrupt the canonical splice site are expected to cause aberrant splicing, resulting in an abnormal protein or a transcript that is subject to nonsense-mediated mRNA decay. As such, this alteration is classified as likely pathogenic.

Color Diagnostics, LLC DBA Color Health
Classification: Likely pathogenic for Hereditary cancer-predisposing syndrome. Last evaluated: 2024-04-08. Review status: criteria provided, single submitter. Criteria: ACMG Guidelines, 2015. Collection method: clinical testing. Allele origin: germline.
Comment: This variant causes a G>C nucleotide substitution at the -1 position in intron 5 of the BRIP1 gene. Splice site prediction tools predict that this variant may have a significant impact on RNA splicing. To our knowledge, RNA studies have not been reported for this variant. This variant has been reported in individuals affected with ovarian cancer (PMID: 26720728, 28888541). This variant has not been identified in the general population by the Genome Aggregation Database (gnomAD). Loss of BRIP1 function is a known mechanism of disease. Based on the available evidence, this variant is classified as Likely Pathogenic.

Baylor Genetics
Classification: Likely pathogenic for Familial cancer of breast. Last evaluated: 2023-11-22. Review status: criteria provided, single submitter. Criteria: ACMG Guidelines, 2015. Collection method: clinical testing. Allele origin: unknown.

Quest Diagnostics Nichols Institute San Juan Capistrano
Classification: Likely pathogenic. Last evaluated: 2023-09-06. Review status: criteria provided, single submitter. Criteria: Quest Diagnostics criteria. Collection method: clinical testing. Allele origin: unknown.
Comment: The BRIP1 c.508-1G>C variant disrupts a canonical splice-acceptor site and interferes with normal BRIP1 mRNA splicing. This variant has been reported in the published literature in individuals with ovarian cancer (PMIDs: 32371905 (2020), 28888541 (2017), 26720728 (2016)). This variant has not been reported in large, multi-ethnic general populations (Genome Aggregation Database). Based on the available information, this variant is classified as likely pathogenic.

Myriad Genetics, Inc.
Classification: Likely pathogenic for Familial cancer of breast. Last evaluated: 2023-02-27. Review status: criteria provided, single submitter. Criteria: Myriad Autosomal Dominant, Autosomal Recessive and X-Linked Classification Criteria (2023). Collection method: clinical testing. Allele origin: unknown.
Comment: This variant is considered likely pathogenic. mRNA analysis has demonstrated abnormal mRNA splicing occurs [Myriad internal data].

Institute for Biomarker Research, Medical Diagnostic Laboratories, L.L.C.
Classification: Likely pathogenic for Hereditary cancer-predisposing syndrome. Last evaluated: 2022-06-28. Review status: criteria provided, single submitter. Criteria: ACMG Guidelines, 2015. Collection method: clinical testing. Allele origin: germline.

Revvity Omics, Revvity
Classification: Pathogenic for Fanconi anemia complementation group J. Last evaluated: 2019-03-14. Review status: criteria provided, single submitter. Criteria: ACMG Guidelines, 2015. Collection method: clinical testing. Allele origin: germline.

Counsyl
Classification: Likely pathogenic for Fanconi anemia complementation group J; Ovarian cancer. Last evaluated: 2018-05-31. Review status: no assertion criteria provided. Collection method: clinical testing. Allele origin: unknown. Not counted in ClinVar's aggregate classification.

Literature cited by the submitters: PubMed 26720728 (cited by 5 submitters); PubMed 28888541 (cited by 4 submitters); PubMed 32371905 (cited by Quest Diagnostics Nichols Institute San Juan Capistrano).

NM_032043.3(BRIP1):c.508-1G>C

Gene: BRIP1 (BRCA1 interacting DNA helicase 1; minus strand). Cytogenetic location: 17q23.2.
Variant type: single nucleotide variant.
Coding change: c.508-1G>C on transcript NM_032043.3 (MANE Select); the canonical splice acceptor site of the intron before coding-DNA position 508, G replaced by C.
Molecular consequence: splice acceptor variant.
Genome position (GRCh38, 1-based): chr17:61,847,221, C>G on the plus strand (G>C on the coding strand, the complement: BRIP1 is on the minus strand). VCF-style: chr17-61847221-C-G. GRCh37 (hg19) VCF-style: chr17-59924582-C-G.
Identifiers: ClinVar variation 219850 (VCV000219850.31), dbSNP rs864622277, ClinGen allele CA348058.